The following is an entry in ClinVar:

NM_001365536.1(SCN9A):c.2153C>A (p.Ala718Glu)

Genes: SCN1A-AS1 (SCN1A and SCN9A antisense RNA 1; plus strand), SCN9A (sodium voltage-gated channel alpha subunit 9; minus strand). Cytogenetic location: 2q24.3.
Variant type: single nucleotide variant.
Coding change: c.2153C>A on transcript NM_001365536.1 (MANE Select); coding-DNA position 2153, C replaced by A.
Protein change: p.Ala718Glu; replaces alanine 718 with glutamic acid.
Molecular consequence: missense variant.
Genome position (GRCh38, 1-based): chr2:166,280,547, G>T on the plus strand (C>A on the coding strand, the complement: SCN9A is on the minus strand). VCF-style: chr2-166280547-G-T. GRCh37 (hg19) VCF-style: chr2-167137057-G-T.
Other names: c.2120C>A, p.Ala707Glu (NM_002977.4); short protein forms A707E, A718E.
Identifiers: ClinVar variation 1413825 (VCV001413825.8), dbSNP rs2106475877, ClinGen allele CA349079850.

ClinVar aggregate classification (germline): Uncertain significance (1 of 4 stars; one submission).

Conditions:
Neuropathy, hereditary sensory and autonomic, type 2A (HSAN2A). Also called: ACROOSTEOLYSIS, GIACCAI TYPE; ACROOSTEOLYSIS, NEUROGENIC; MORVAN DISEASE; NEUROPATHY, CONGENITAL SENSORY; NEUROPATHY, HEREDITARY SENSORY RADICULAR, AUTOSOMAL RECESSIVE; NEUROPATHY, HEREDITARY SENSORY, TYPE IIA. Identifiers: Orphanet 970, MedGen C2752089, MONDO:0024309, OMIM 201300.
Generalized epilepsy with febrile seizures plus, type 7 (GEFSP7). Also called: GEFS+, TYPE 7. Identifiers: Orphanet 36387, MedGen C2751778, MONDO:0013470, OMIM 613863.

Allele frequency attached by ClinVar (database versions not stated): gnomAD exomes 0.00001.
gnomAD v4.1: 11 of 1,591,498 alleles (0.00069%); highest among the groups gnomAD compares: Non-Finnish European, 0.00094%; no homozygotes.

Submission:

Labcorp Genetics (formerly Invitae), Labcorp
Classification: Uncertain significance for Neuropathy, hereditary sensory and autonomic, type 2A; Generalized epilepsy with febrile seizures plus, type 7. Last evaluated: 2024-10-23. Review status: criteria provided, single submitter. Criteria: Invitae Variant Classification Sherloc (09022015). Collection method: clinical testing. Allele origin: germline.
Comment: This sequence change replaces alanine, which is neutral and non-polar, with glutamic acid, which is acidic and polar, at codon 707 of the SCN9A protein (p.Ala707Glu). This variant is not present in population databases (gnomAD no frequency). This variant has not been reported in the literature in individuals affected with SCN9A-related conditions. ClinVar contains an entry for this variant (Variation ID: 1413825). Invitae Evidence Modeling of protein sequence and biophysical properties (such as structural, functional, and spatial information, amino acid conservation, physicochemical variation, residue mobility, and thermodynamic stability) has been performed for this missense variant. However, the output from this modeling did not meet the statistical confidence thresholds required to predict the impact of this variant on SCN9A protein function. In summary, the available evidence is currently insufficient to determine the role of this variant in disease. Therefore, it has been classified as a Variant of Uncertain Significance.